The following is an entry in ClinVar:

NM_000051.4(ATM):c.2519A>G (p.Asp840Gly)

Gene: ATM (ATM serine/threonine kinase; plus strand). Cytogenetic location: 11q22.3.
Variant type: single nucleotide variant.
Coding change: c.2519A>G on transcript NM_000051.4 (MANE Select); coding-DNA position 2519, A replaced by G.
Protein change: p.Asp840Gly; replaces aspartic acid 840 with glycine.
Molecular consequence: missense variant.
Genome position (GRCh38, 1-based): chr11:108,267,223, A>G. VCF-style: chr11-108267223-A-G. GRCh37 (hg19) VCF-style: chr11-108137950-A-G.
Other names: c.2519A>G, p.Asp840Gly (NM_001351834.2); short protein forms D840G.
Identifiers: ClinVar variation 485208 (VCV000485208.17), dbSNP rs786202605, ClinGen allele CA382543463.

ClinVar aggregate classification (germline): Uncertain significance. Review status: criteria provided, multiple submitters, no conflicts (2 of 4 stars). 3 submissions from 3 submitters: Uncertain significance (3). Last evaluated 2024-04-05.

Conditions:
Hereditary cancer-predisposing syndrome. Also called: Hereditary neoplastic syndrome; Neoplastic Syndromes, Hereditary; Tumor predisposition; Hereditary Cancer Syndrome. Identifiers: Orphanet 140162, MedGen C0027672, MeSH D009386, MONDO:0015356.
Ataxia-telangiectasia syndrome (AT). Also called: LOUIS-BAR SYNDROME; Cerebello-oculocutaneous telangiectasia; Immunodeficiency with ataxia telangiectasia; AT, COMPLEMENTATION GROUP C; Ataxia-telangiectasia, complementation group D; ATAXIA-TELANGIECTASIA, COMPLEMENTATION GROUP A. Identifiers: Orphanet 100, MedGen C0004135, MONDO:0008840, OMIM 208900.

Submissions (3):

Labcorp Genetics (formerly Invitae), Labcorp
Classification: Uncertain significance for Ataxia-telangiectasia syndrome. Last evaluated: 2024-04-05. Review status: criteria provided, single submitter. Criteria: Invitae Variant Classification Sherloc (09022015). Collection method: clinical testing. Allele origin: germline.
Comment: This sequence change replaces aspartic acid, which is acidic and polar, with glycine, which is neutral and non-polar, at codon 840 of the ATM protein (p.Asp840Gly). This variant is not present in population databases (gnomAD no frequency). This variant has not been reported in the literature in individuals affected with ATM-related conditions. ClinVar contains an entry for this variant (Variation ID: 485208). An algorithm developed to predict the effect of missense changes on protein structure and function (PolyPhen-2) suggests that this variant is likely to be tolerated. In summary, the available evidence is currently insufficient to determine the role of this variant in disease. Therefore, it has been classified as a Variant of Uncertain Significance.

Color Diagnostics, LLC DBA Color Health
Classification: Uncertain significance for Hereditary cancer-predisposing syndrome. Last evaluated: 2023-12-04. Review status: criteria provided, single submitter. Criteria: ACMG Guidelines, 2015. Collection method: clinical testing. Allele origin: germline.
Comment: This missense variant replaces aspartic acid with glycine at codon 840 of the ATM protein. Computational prediction suggests that this variant may not impact protein structure and function (internally defined REVEL score threshold <= 0.5, PMID: 27666373). To our knowledge, functional studies have not been reported for this variant. This variant has not been reported in individuals affected with ATM-related disorders in the literature. This variant has not been identified in the general population by the Genome Aggregation Database (gnomAD). The available evidence is insufficient to determine the role of this variant in disease conclusively. Therefore, this variant is classified as a Variant of Uncertain Significance.

Ambry Genetics
Classification: Uncertain significance for Hereditary cancer-predisposing syndrome. Last evaluated: 2023-04-28. Review status: criteria provided, single submitter. Criteria: Ambry Variant Classification Scheme 2023. Collection method: clinical testing. Allele origin: germline.
Comment: The p.D840G variant (also known as c.2519A>G), located in coding exon 16 of the ATM gene, results from an A to G substitution at nucleotide position 2519. The aspartic acid at codon 840 is replaced by glycine, an amino acid with similar properties. This amino acid position is not well conserved in available vertebrate species. In addition, this alteration is predicted to be tolerated by in silico analysis. Since supporting evidence is limited at this time, the clinical significance of this alteration remains unclear.